The following is an entry in ClinVar:

ClinVar aggregate classification (germline): Conflicting classifications of pathogenicity. Review status: criteria provided, conflicting classifications (1 of 4 stars). 3 submissions from 3 submitters: Uncertain significance (2); Likely benign (1). Last evaluated 2026-03-05.

Conditions:
Bifunctional peroxisomal enzyme deficiency (DBIF). Also called: PBFE DEFICIENCY; D-bifunctional protein deficiency; DBP DEFICIENCY. Identifiers: Orphanet 300, MedGen C0342870, MONDO:0009855, OMIM 261515. Disease mechanism: loss of function.
Perrault syndrome. Also called: Gonadal dysgenesis with auditory dysfunction, autosomal recessive inheritance. Identifiers: Orphanet 2855, MedGen C0685838, MONDO:0017312.

Allele frequency attached by ClinVar (database versions not stated): gnomAD exomes below 0.00001 and 0.00002; ExAC 0.00002; TOPMed 0.00003; gnomAD 0.00005 and 0.00006.
gnomAD v4.1: 12 of 1,599,362 alleles (0.00075%); highest among the groups gnomAD compares: African/African-American, 0.013%; no homozygotes.

Submissions (3):

GeneDx
Classification: Uncertain significance. Last evaluated: 2026-03-05. Review status: criteria provided, single submitter. Criteria: GeneDx Variant Classification Process June 2021. Collection method: clinical testing. Allele origin: germline.
Comment: Has not been previously published as pathogenic or benign to our knowledge; In silico analysis supports a deleterious effect on splicing

Women's Health and Genetics/Laboratory Corporation of America, LabCorp
Classification: Likely benign. Last evaluated: 2024-12-14. Review status: criteria provided, single submitter. Criteria: LabCorp Variant Classification Summary - May 2015. Collection method: clinical testing. Allele origin: germline.

Labcorp Genetics (formerly Invitae), Labcorp
Classification: Uncertain significance for Perrault syndrome; Bifunctional peroxisomal enzyme deficiency. Last evaluated: 2021-10-14. Review status: criteria provided, single submitter. Criteria: Invitae Variant Classification Sherloc (09022015). Collection method: clinical testing. Allele origin: germline.
Comment: This sequence change falls in intron 5 of the HSD17B4 gene. It does not directly change the encoded amino acid sequence of the HSD17B4 protein. This variant is present in population databases (rs767897278, ExAC 0.02%). This variant has been observed in individual(s) with clinical features of D-bifunctional protein deficiency (Invitae). In at least one individual the data is consistent with the variant being in trans (on the opposite chromosome) from a pathogenic variant. Algorithms developed to predict the effect of sequence changes on RNA splicing suggest that this variant may create or strengthen a splice site. In summary, the available evidence is currently insufficient to determine the role of this variant in disease. Therefore, it has been classified as a Variant of Uncertain Significance.

NM_000414.4(HSD17B4):c.303-11T>A

Gene: HSD17B4 (hydroxysteroid 17-beta dehydrogenase 4; plus strand). Cytogenetic location: 5q23.1.
Variant type: single nucleotide variant.
Coding change: c.303-11T>A on transcript NM_000414.4 (MANE Select); 11 bases into the intron before coding-DNA position 303, T replaced by A.
Molecular consequence: intron variant.
Genome position (GRCh38, 1-based): chr5:119,475,813, T>A. VCF-style: chr5-119475813-T-A. GRCh37 (hg19) VCF-style: chr5-118811508-T-A.
Other names: c.-109-11T>A (NM_001374503.1, NM_001374502.1, NM_001374501.1 and 1 more transcripts); c.378-11T>A (NM_001199291.3); c.22+86T>A (NM_001374499.1); c.-236-11T>A (NM_001374500.1); c.231-11T>A (NM_001292027.2); c.303-11T>A (NM_001374498.1, NM_001374497.1); c.249-11T>A (NM_001199292.2).
Identifiers: ClinVar variation 840842 (VCV000840842.10), dbSNP rs767897278, ClinGen allele CA3381784.
Genomic context (GRCh38, chr5:119,475,813, plus strand): 5'-TGATGTGTGTATAATTTTTTTAAAAAGTATATACTTTCCTCCTTTTACCCTATACAACAT[T>A]GATTTTTTAGAATTCTGAGGGATCGTTCCTTTGCTAGGATAAGTGATGAAGACTGGGGTA-3'